The following is an entry in ClinVar:

NM_006231.4(POLE):c.6712T>C (p.Cys2238Arg)

Gene: POLE (DNA polymerase epsilon, catalytic subunit; minus strand). Cytogenetic location: 12q24.33.
Variant type: single nucleotide variant.
Coding change: c.6712T>C on transcript NM_006231.4 (MANE Select); coding-DNA position 6712, T replaced by C.
Protein change: p.Cys2238Arg; replaces cysteine 2238 with arginine.
Molecular consequence: missense variant.
Genome position (GRCh38, 1-based): chr12:132,624,940, A>G on the plus strand (T>C on the coding strand, the complement: POLE is on the minus strand). VCF-style: chr12-132624940-A-G. GRCh37 (hg19) VCF-style: chr12-133201526-A-G.
Other names: short protein forms C2238R.
Identifiers: ClinVar variation 4671720 (VCV004671720.1).

ClinVar aggregate classification (germline): Uncertain significance (1 of 4 stars; one submission).

Conditions:
Hereditary cancer-predisposing syndrome. Also called: Neoplastic Syndromes, Hereditary; Tumor predisposition; Hereditary Cancer Syndrome; Hereditary neoplastic syndrome. Identifiers: Orphanet 140162, MedGen C0027672, MeSH D009386, MONDO:0015356.

Submission:

Ambry Genetics
Classification: Uncertain significance for Hereditary cancer-predisposing syndrome. Last evaluated: 2025-10-02. Review status: criteria provided, single submitter. Criteria: Ambry Variant Classification Scheme 2023. Collection method: clinical testing. Allele origin: germline.
Comment: The p.C2238R variant (also known as c.6712T>C), located in coding exon 48 of the POLE gene, results from a T to C substitution at nucleotide position 6712. The cysteine at codon 2238 is replaced by arginine, an amino acid with highly dissimilar properties. This amino acid position is conserved. In addition, this alteration is predicted to be deleterious by in silico analysis. Based on the available evidence, the clinical significance of this variant remains unclear.